The following is an entry in ClinVar:

ClinVar aggregate classification (germline): Likely benign. Review status: reviewed by expert panel (3 of 4 stars). 4 submissions from 4 submitters: Likely benign (1). 3 of the submissions do not count toward it. Last evaluated 2022-04-25.

Conditions:
Hereditary cancer-predisposing syndrome. Also called: Hereditary Cancer Syndrome; Neoplastic Syndromes, Hereditary; Tumor predisposition; Hereditary neoplastic syndrome. Identifiers: Orphanet 140162, MedGen C0027672, MeSH D009386, MONDO:0015356.
Hereditary thrombocytopenia and hematological cancer predisposition syndrome associated with RUNX1. Also called: RUNX1 Familial Platelet Disorder with Associated Myeloid Malignancies; Familial Platelet Disorder with Propensity to Acute Myelogenous Leukemia; PLATELET DISORDER, ASPIRIN-LIKE; Familial thrombocytopenia with propensity to acute myelogenous leukemia. Identifiers: Orphanet 71290, MedGen C1832388, MeSH C563324, MONDO:0100083, OMIM 601399.
Hereditary thrombocytopenia and hematologic cancer predisposition syndrome. Identifiers: Orphanet 71290, MedGen CN281654, MONDO:0011071.
Inborn genetic diseases. Identifiers: MedGen C0950123, MeSH D030342.

Allele frequency attached by ClinVar (database versions not stated): TOPMed below 0.00001; gnomAD exomes 0.00001 and below 0.00001.
gnomAD v4.1: 11 of 1,597,834 alleles (0.00069%); highest among the groups gnomAD compares: South Asian, 0.0045%; no homozygotes.

Submissions (4):

ClinGen Myeloid Malignancy Variant Curation Expert Panel
Classification: Likely benign for Hereditary thrombocytopenia and hematologic cancer predisposition syndrome. Last evaluated: 2022-04-25. Review status: reviewed by expert panel. Criteria: ClinGen MyeloMalig ACMG Specifications v2. Collection method: curation. Allele origin: germline. Inheritance: Autosomal dominant inheritance.
Comment: NM_001754.5(RUNX1):c.987G>C (p.Ala329=) is a synonymous variant. REVEL score not calculable as this is a synonymous variant. SpliceAI predicts: Acceptor loss 0.00, Donor loss 0.00, Acceptor gain 0.00, Donor gain 0.00 (BP4). Evolutionary conservation prediction algorithms predict the site as not being conserved (PhyloP score -0.503315 < 2.0 or the variant is the reference nucleotide in one primate and/or three mammal species) (BP7). In summary, this variant meets criteria to be classified as likely benign. ACMG/AMP criteria applied, as specified by the Myeloid Malignancy Variant Curation Expert Panel for RUNX1: BP4, BP7.

Labcorp Genetics (formerly Invitae), Labcorp
Classification: Likely benign for Hereditary thrombocytopenia and hematological cancer predisposition syndrome associated with RUNX1. Last evaluated: 2025-10-22. Review status: criteria provided, single submitter. Criteria: Invitae Variant Classification Sherloc (09022015). Collection method: clinical testing. Allele origin: germline. Not counted in ClinVar's aggregate classification.

Ambry Genetics
Classification: Likely benign for Inborn genetic diseases. Last evaluated: 2025-04-06. Review status: criteria provided, single submitter. Criteria: Ambry Variant Classification Scheme 2023. Collection method: clinical testing. Allele origin: germline. Not counted in ClinVar's aggregate classification.

Sema4
Classification: Likely benign for Hereditary cancer-predisposing syndrome. Last evaluated: 2022-01-06. Review status: criteria provided, single submitter. Criteria: Sema4 Curation Guidelines. Collection method: curation. Allele origin: germline. Not counted in ClinVar's aggregate classification.

NM_001754.5(RUNX1):c.987G>C (p.Ala329=)

Gene: RUNX1 (RUNX family transcription factor 1; minus strand). Cytogenetic location: 21q22.12.
Variant type: single nucleotide variant.
Coding change: c.987G>C on transcript NM_001754.5 (MANE Select); coding-DNA position 987, G replaced by C.
Protein change: p.Ala329=; no amino-acid change (alanine 329 retained).
Molecular consequence: synonymous variant.
Genome position (GRCh38, 1-based): chr21:34,792,591, C>G on the plus strand (G>C on the coding strand, the complement: RUNX1 is on the minus strand). VCF-style: chr21-34792591-C-G. GRCh37 (hg19) VCF-style: chr21-36164888-C-G.
Other names: NM_001754.5(RUNX1):c.987G>C; p.Ala329=; c.906G>C, p.Ala302= (NM_001001890.3).
Identifiers: ClinVar variation 701629 (VCV000701629.12), dbSNP rs1332206830, ClinGen allele CA512341390.
Genomic context (GRCh38, chr21:34,792,591, plus strand): 5'-ATAGTGCATGCGGGGGTCGGAGATGGAGGGCAGCGCGGGGAACTGGCGCGGGTCGCTGAA[C>G]GCTGTCAGGTCGGGTGCCGCTGCAGGGCGGGCAAGAGAACGGAGCGGAAGTGAGTAGGAG-3'
Protein context (NP_001745.2, residues 319-339): SRLSTAPDLT[Ala329=]FSDPRQFPAL